The following is an entry in ClinVar:

ClinVar aggregate classification (germline): Likely benign. Review status: criteria provided, multiple submitters, no conflicts (2 of 4 stars). 2 submissions from 2 submitters: Likely benign (2). Last evaluated 2022-10-10.

Allele frequency attached by ClinVar (database versions not stated): gnomAD 0.00004; ExAC 0.00005; TOPMed 0.00002; gnomAD exomes 0.00004.
gnomAD v4.1: 71 of 1,614,024 alleles (0.0044%); highest among the groups gnomAD compares: East Asian, 0.011%; no homozygotes.

Submissions (2):

Labcorp Genetics (formerly Invitae), Labcorp
Classification: Likely benign. Last evaluated: 2022-10-10. Review status: criteria provided, single submitter. Criteria: Invitae Variant Classification Sherloc (09022015). Collection method: clinical testing. Allele origin: germline.

GeneDx
Classification: Likely benign. Last evaluated: 2017-10-03. Review status: criteria provided, single submitter. Criteria: GeneDx Variant Classification (06012015). Collection method: clinical testing. Allele origin: germline. Affected: yes.
Comment: This variant is considered likely benign or benign based on one or more of the following criteria: it is a conservative change, it occurs at a poorly conserved position in the protein, it is predicted to be benign by multiple in silico algorithms, and/or has population frequency not consistent with disease.

NM_025150.5(TARS2):c.1131C>T (p.Ala377=)

Gene: TARS2 (threonyl-tRNA synthetase 2, mitochondrial; plus strand). Cytogenetic location: 1q21.2.
Variant type: single nucleotide variant.
Coding change: c.1131C>T on transcript NM_025150.5 (MANE Select); coding-DNA position 1131, C replaced by T.
Protein change: p.Ala377=; no amino-acid change (alanine 377 retained).
Molecular consequence: synonymous variant. On other transcripts: non-coding transcript variant (2).
Genome position (GRCh38, 1-based): chr1:150,497,640, C>T. VCF-style: chr1-150497640-C-T. GRCh37 (hg19) VCF-style: chr1-150470116-C-T.
Other names: c.885C>T, p.Ala295= (NM_001271895.2); c.741C>T, p.Ala247= (NM_001271896.2).
Identifiers: ClinVar variation 512309 (VCV000512309.5), dbSNP rs756982839, ClinGen allele CA1076917.